The following is an entry in ClinVar:

ClinVar aggregate classification (germline): Likely benign (0 of 4 stars; one submission).

Conditions:
OCRL-related disorder. Also called: OCRL-related condition.

Submission:

PreventionGenetics, part of Exact Sciences
Classification: Likely benign for OCRL-related condition. Last evaluated: 2023-01-12. Review status: no assertion criteria provided. Collection method: clinical testing. Allele origin: germline.
Comment: This variant is classified as likely benign based on ACMG/AMP sequence variant interpretation guidelines (Richards et al. 2015 PMID: 25741868, with internal and published modifications).

NM_000276.4(OCRL):c.2196T>A (p.Leu732=)

Gene: OCRL (OCRL inositol polyphosphate-5-phosphatase; plus strand). Cytogenetic location: Xq26.1.
Variant type: single nucleotide variant.
Coding change: c.2196T>A on transcript NM_000276.4 (MANE Select); coding-DNA position 2196, T replaced by A.
Protein change: p.Leu732=; no amino-acid change (leucine 732 retained).
Molecular consequence: synonymous variant.
Genome position (GRCh38, 1-based): chrX:129,587,058, T>A. VCF-style: chrX-129587058-T-A. GRCh37 (hg19) VCF-style: chrX-128721035-T-A.
Other names: c.2199T>A, p.Leu733= (NM_001318784.2); c.2172T>A, p.Leu724= (NM_001587.4).
Identifiers: ClinVar variation 3356541 (VCV003356541.1).